The following is an entry in ClinVar:

NM_000092.5(COL4A4):c.1565G>A (p.Trp522Ter)

Gene: COL4A4 (collagen type IV alpha 4 chain; minus strand). Cytogenetic location: 2q36.3.
Variant type: single nucleotide variant.
Coding change: c.1565G>A on transcript NM_000092.5 (MANE Select); coding-DNA position 1565, G replaced by A.
Protein change: p.Trp522Ter; replaces tryptophan 522 with a stop codon.
Molecular consequence: nonsense.
Genome position (GRCh38, 1-based): chr2:227,088,711, C>T on the plus strand (G>A on the coding strand, the complement: COL4A4 is on the minus strand). VCF-style: chr2-227088711-C-T. GRCh37 (hg19) VCF-style: chr2-227953427-C-T.
Other names: short protein forms W522*.
Identifiers: ClinVar variation 3342291 (VCV003342291.3).
Genomic context (GRCh38, chr2:227,088,711, plus strand): 5'-ACTGGTAGCCCTGGAGGTCCTTCAGCACCAGGAGGTCCTGGGTCACCTTTTGTTCCAAGC[C>T]AGCCAGGGAGCCCCAAGTCTCCCTTACTCCCCTGCCTCCCAGGAAGTCCTGGAGGGCCAG-3'

ClinVar aggregate classification (germline): Pathogenic/Likely pathogenic. Review status: criteria provided, multiple submitters, no conflicts (2 of 4 stars). 3 submissions from 3 submitters: Pathogenic (2); Likely pathogenic (1). Last evaluated 2024-09-12.

Conditions:
Hematuria, benign familial, 1 (BFH1). Also called: THIN MEMBRANE NEPHROPATHY. Identifiers: MedGen CN376803, MONDO:0007709, OMIM 141200.
Autosomal recessive Alport syndrome (ATS2). Also called: COL4A4 Alport Syndrome and Thin Basement Membrane Nephropathy; Alport syndrome type 2; ALPORT SYNDROME 2, AUTOSOMAL RECESSIVE; COL4A3-Related Nephropathy. Identifiers: Orphanet 63, Orphanet 88919, MedGen C4746745, MONDO:0008762, OMIM 203780.
Alport syndrome. Also called: Hemorrhagic familial nephritis; Hemorrhagic hereditary nephritis; Congenital hereditary hematuria. Identifiers: Orphanet 63, MedGen C1567741, MONDO:0018965.

Submissions (3):

MVZ Medizinische Genetik Mainz
Classification: Pathogenic for Autosomal recessive Alport syndrome. Last evaluated: 2024-09-12. Review status: criteria provided, single submitter. Criteria: UK Practice Guidelines For Variant Classification V4 01 2020. Collection method: clinical testing. Allele origin: germline. Inheritance: Autosomal dominant inheritance. Affected: yes. Observed: 1 variant allele.
Comment: ACMG Criteria: PVS1,PM2_SUP,PP4

Fulgent Genetics
Classification: Likely pathogenic for Hematuria, benign familial, 1; Autosomal recessive Alport syndrome. Last evaluated: 2024-05-14. Review status: criteria provided, single submitter. Criteria: ACMG Guidelines, 2015. Collection method: clinical testing. Allele origin: germline.

Myriad Genetics, Inc.
Classification: Pathogenic for Alport syndrome. Last evaluated: 2024-02-15. Review status: criteria provided, single submitter. Criteria: Myriad Autosomal Dominant, Autosomal Recessive and X-Linked Classification Criteria (2023). Collection method: clinical testing. Allele origin: unknown.
Comment: NM_000092.4(COL4A4):c.1565G>A(W522*) is expected to be pathogenic in the context of Alport syndrome, COL4A4-related. This variant is predicted to lead to an abnormal or absent protein product due to the creation of a premature termination codon in COL4A4, a gene where loss-of-function variants are known to be pathogenic. Please note: this variant was assessed in the context of healthy population screening.